The following is an entry in ClinVar:

NM_001148.6(ANK2):c.3863G>A (p.Cys1288Tyr)

Gene: ANK2 (ankyrin 2; plus strand). Cytogenetic location: 4q26.
Variant type: single nucleotide variant.
Coding change: c.3863G>A on transcript NM_001148.6 (MANE Select); coding-DNA position 3863, G replaced by A.
Protein change: p.Cys1288Tyr; replaces cysteine 1288 with tyrosine.
Molecular consequence: missense variant.
Genome position (GRCh38, 1-based): chr4:113,339,292, G>A. VCF-style: chr4-113339292-G-A. GRCh37 (hg19) VCF-style: chr4-114260448-G-A.
Other names: c.3836G>A, p.Cys1279Tyr (NM_001127493.3); c.3875G>A, p.Cys1292Tyr (NM_001354225.2); c.3764G>A, p.Cys1255Tyr (NM_001354228.2, NM_001354258.2); c.3842G>A, p.Cys1281Tyr (NM_001354230.2); c.3905G>A, p.Cys1302Tyr (NM_001354231.2, NM_001354242.2); c.3899G>A, p.Cys1300Tyr (NM_001354232.2); c.3860G>A, p.Cys1287Tyr (NM_001354246.2, NM_001354265.2, NM_001354235.2); c.3677G>A, p.Cys1226Tyr (NM_001354249.2, NM_001354266.2, NM_001354267.2 and 6 more transcripts); and 31 more; short protein forms C1193Y, C1201Y, C1221Y, C1222Y, C1233Y, C1234Y, C1236Y, C1245Y.
Identifiers: ClinVar variation 2035222 (VCV002035222.4), dbSNP rs1171500202, ClinGen allele CA357906847.

ClinVar aggregate classification (germline): Uncertain significance (1 of 4 stars; one submission).

Conditions:
Long QT syndrome (LQTS). Identifiers: MedGen C0023976, MeSH D008133, MONDO:0002442. Disease mechanism: loss of function. Inheritance: Various modes of inheritance.

Allele frequency attached by ClinVar (database versions not stated): TOPMed below 0.00001.
gnomAD v4.1: 13 of 1,613,982 alleles (0.00081%); highest among the groups gnomAD compares: Non-Finnish European, 0.0011%; no homozygotes.

Submission:

Labcorp Genetics (formerly Invitae), Labcorp
Classification: Uncertain significance for Long QT syndrome. Last evaluated: 2022-09-06. Review status: criteria provided, single submitter. Criteria: Invitae Variant Classification Sherloc (09022015). Collection method: clinical testing. Allele origin: germline.
Comment: This sequence change replaces cysteine, which is neutral and slightly polar, with tyrosine, which is neutral and polar, at codon 1288 of the ANK2 protein (p.Cys1288Tyr). This variant is present in population databases (no rsID available, gnomAD 0.0009%). This variant has not been reported in the literature in individuals affected with ANK2-related conditions. Algorithms developed to predict the effect of missense changes on protein structure and function are either unavailable or do not agree on the potential impact of this missense change (SIFT: "Deleterious"; PolyPhen-2: "Probably Damaging"; Align-GVGD: "Class C15"). In summary, the available evidence is currently insufficient to determine the role of this variant in disease. Therefore, it has been classified as a Variant of Uncertain Significance.